The following is an entry in ClinVar:

NM_004370.6(COL12A1):c.7734G>A (p.Thr2578=)

Gene: COL12A1 (collagen type XII alpha 1 chain; minus strand). Cytogenetic location: 6q13.
Variant type: single nucleotide variant.
Coding change: c.7734G>A on transcript NM_004370.6 (MANE Select); coding-DNA position 7734, G replaced by A.
Protein change: p.Thr2578=; no amino-acid change (threonine 2578 retained).
Molecular consequence: synonymous variant.
Genome position (GRCh38, 1-based): chr6:75,113,708, C>T on the plus strand (G>A on the coding strand, the complement: COL12A1 is on the minus strand). VCF-style: chr6-75113708-C-T. GRCh37 (hg19) VCF-style: chr6-75823424-C-T.
Other names: c.4242G>A, p.Thr1414= (NM_080645.3).
Identifiers: ClinVar variation 1577389 (VCV001577389.9), dbSNP rs368616942, ClinGen allele CA141010876.
Genomic context (GRCh38, chr6:75,113,708, plus strand): 5'-TTGCCAAATTGCAAAAGGGTCACTGGGAGTTTCTGGGAGAAGTCTGAATAATAATATAAT[C>T]GTGTATGAAGGAGGGAGTCCATTTGGGTGTAGGTCTCTGTTGGATAAAACAAAAGAAAGA-3'
Protein context (NP_004361.3, residues 2568-2588): LHPNGLPPSY[Thr2578=]IILLFRLLPE

ClinVar aggregate classification (germline): Likely benign. Review status: criteria provided, multiple submitters, no conflicts (2 of 4 stars). 2 submissions from 2 submitters: Likely benign (2). Last evaluated 2026-09-01.

Conditions:
Ullrich congenital muscular dystrophy 2 (UCMD2). Identifiers: Orphanet 75840, MedGen C4225314, MONDO:0014654, OMIM 616470.
Bethlem myopathy 2 (BTHLM2). Identifiers: Orphanet 536516, Orphanet 610, MedGen C4225313, MONDO:0034022, OMIM 616471.

Allele frequency attached by ClinVar (database versions not stated): gnomAD exomes 0.00001; TOPMed 0.00002; gnomAD 0.00003; ESP Exome Variant Server 0.00008.
gnomAD v4.1: 21 of 1,601,780 alleles (0.0013%); highest among the groups gnomAD compares: Admixed American, 0.0067%; no homozygotes.

Submissions (2):

CeGaT Center for Human Genetics Tuebingen
Classification: Likely benign. Last evaluated: 2026-09-01. Review status: criteria provided, single submitter. Criteria: CeGaT Center For Human Genetics Tuebingen Variant Classification Criteria Version 2. Collection method: clinical testing. Allele origin: germline. Affected: yes. Observed: 1 variant allele.
Comment: COL12A1: BP4, BP7

Labcorp Genetics (formerly Invitae), Labcorp
Classification: Likely benign for Bethlem myopathy 2; Ullrich congenital muscular dystrophy 2. Last evaluated: 2026-01-04. Review status: criteria provided, single submitter. Criteria: Invitae Variant Classification Sherloc (09022015). Collection method: clinical testing. Allele origin: germline.